The following is an entry in ClinVar:

ClinVar aggregate classification (germline): Uncertain significance (1 of 4 stars; one submission).

Conditions:
Spermatogenic failure 18. Identifiers: MedGen C4539783, MONDO:0054615, OMIM 617576.
Ciliary dyskinesia, primary, 37 (CILD37). Also called: CILIARY DYSKINESIA, PRIMARY, 37, WITH OR WITHOUT SITUS INVERSUS. Identifiers: MedGen C4539798, MONDO:0033204, OMIM 617577.

Allele frequency attached by ClinVar (database versions not stated): ExAC 0.00003; gnomAD exomes 0.00002; gnomAD 0.00003.

Submission:

Labcorp Genetics (formerly Invitae), Labcorp
Classification: Uncertain significance for Ciliary dyskinesia, primary, 37; Spermatogenic failure 18. Last evaluated: 2024-10-07. Review status: criteria provided, single submitter. Criteria: Invitae Variant Classification Sherloc (09022015). Collection method: clinical testing. Allele origin: germline.
Comment: This sequence change replaces asparagine, which is neutral and polar, with lysine, which is basic and polar, at codon 1767 of the DNAH1 protein (p.Asn1767Lys). This variant is present in population databases (rs762663322, gnomAD 0.005%). This variant has not been reported in the literature in individuals affected with DNAH1-related conditions. ClinVar contains an entry for this variant (Variation ID: 1350884). Invitae Evidence Modeling of protein sequence and biophysical properties (such as structural, functional, and spatial information, amino acid conservation, physicochemical variation, residue mobility, and thermodynamic stability) indicates that this missense variant is not expected to disrupt DNAH1 protein function with a negative predictive value of 80%. In summary, the available evidence is currently insufficient to determine the role of this variant in disease. Therefore, it has been classified as a Variant of Uncertain Significance.

NM_015512.5(DNAH1):c.5301C>G (p.Asn1767Lys)

Gene: DNAH1 (dynein axonemal heavy chain 1; plus strand). Cytogenetic location: 3p21.1.
Variant type: single nucleotide variant.
Coding change: c.5301C>G on transcript NM_015512.5 (MANE Select); coding-DNA position 5301, C replaced by G.
Protein change: p.Asn1767Lys; replaces asparagine 1767 with lysine.
Molecular consequence: missense variant.
Genome position (GRCh38, 1-based): chr3:52,364,694, C>G. VCF-style: chr3-52364694-C-G. GRCh37 (hg19) VCF-style: chr3-52398710-C-G.
Other names: short protein forms N1767K.
Identifiers: ClinVar variation 1350884 (VCV001350884.4), dbSNP rs762663322, ClinGen allele CA2434162.
Genomic context (GRCh38, chr3:52,364,694, plus strand): 5'-ACAGGATCACTATGACTTCGGGATGAGAGCCGTGAAAACTGTGATCTCGGCTGCTGGGAA[C>G]CTCAAGCGAGAAAACCCCAGCATGAATGAGGTGAGCTCCACCCAGCAGGGCTCCAGGAGT-3'
Protein context (NP_056327.4, residues 1757-1777): AVKTVISAAG[Asn1767Lys]LKRENPSMNE